The following is an entry in ClinVar:

ClinVar aggregate classification (germline): Uncertain significance (1 of 4 stars; one submission).

Conditions:
PCNT-related disorder. Also called: PCNT-related condition.

gnomAD v4.1: 4 of 1,613,950 alleles (0.00025%); highest among the groups gnomAD compares: Middle Eastern, 0.016%; no homozygotes.

Submission:

PreventionGenetics, part of Exact Sciences
Classification: Uncertain significance for PCNT-related condition. Last evaluated: 2026-05-05. Review status: criteria provided, single submitter. Criteria: ACMG Guidelines, 2015. Collection method: clinical testing. Allele origin: germline.
Comment: The PCNT c.8092C>T variant is predicted to result in the amino acid substitution p.Arg2698Cys. To our knowledge, this variant has not been reported in the literature or in gnomAD, indicating this variant is rare. At this time, the clinical significance of this variant is uncertain due to the absence of conclusive functional and genetic evidence.

NM_006031.6(PCNT):c.8092C>T (p.Arg2698Cys)

Gene: PCNT (pericentrin; plus strand). Cytogenetic location: 21q22.3.
Variant type: single nucleotide variant.
Coding change: c.8092C>T on transcript NM_006031.6 (MANE Select); coding-DNA position 8092, C replaced by T.
Protein change: p.Arg2698Cys; replaces arginine 2698 with cysteine.
Molecular consequence: missense variant.
Genome position (GRCh38, 1-based): chr21:46,431,556, C>T. VCF-style: chr21-46431556-C-T. GRCh37 (hg19) VCF-style: chr21-47851470-C-T.
Other names: c.7738C>T, p.Arg2580Cys (NM_001315529.2); short protein forms R2698C, R2580C.
Identifiers: ClinVar variation 4990877 (VCV004990877.1).
Genomic context (GRCh38, chr21:46,431,556, plus strand): 5'-CAGTGTCTCCCATCGTATGTGTTTGCTGTCTAGGAGCTGCGGGCGTCTTTGGAGACACAG[C>T]GTGCTCAGAGCAGTCGACTCTGCGTGGCACTGAAACACGAGCAGACGGCCAAGGACAACC-3'
Protein context (NP_006022.3, residues 2688-2708): EELRASLETQ[Arg2698Cys]AQSSRLCVAL